The following is an entry in ClinVar:

NM_005263.5(GFI1):c.374G>C (p.Ser125Thr)

Gene: GFI1 (growth factor independent 1 transcriptional repressor; minus strand). Cytogenetic location: 1p22.1.
Variant type: single nucleotide variant.
Coding change: c.374G>C on transcript NM_005263.5 (MANE Select); coding-DNA position 374, G replaced by C.
Protein change: p.Ser125Thr; replaces serine 125 with threonine.
Molecular consequence: missense variant.
Genome position (GRCh38, 1-based): chr1:92,481,013, C>G on the plus strand (G>C on the coding strand, the complement: GFI1 is on the minus strand). VCF-style: chr1-92481013-C-G. GRCh37 (hg19) VCF-style: chr1-92946570-C-G.
Other names: c.374G>C, p.Ser125Thr (NM_001127215.3, NM_001127216.3); short protein forms S125T.
Identifiers: ClinVar variation 3609347 (VCV003609347.3).

ClinVar aggregate classification (germline): Uncertain significance. Review status: criteria provided, multiple submitters, no conflicts (2 of 4 stars). 2 submissions from 2 submitters: Uncertain significance (2). Last evaluated 2025-11-30.

Conditions:
Neutropenia, severe congenital, 2, autosomal dominant. Identifiers: Orphanet 486, MedGen C2751288, MONDO:0013139, OMIM 613107.

Submissions (2):

Ambry Genetics
Classification: Uncertain significance. Last evaluated: 2025-11-30. Review status: criteria provided, single submitter. Criteria: Ambry Variant Classification Scheme 2023. Collection method: clinical testing. Allele origin: germline.
Comment: The p.S125T variant (also known as c.374G>C), located in coding exon 3 of the GFI1 gene, results from a G to C substitution at nucleotide position 374. The serine at codon 125 is replaced by threonine, an amino acid with similar properties. This amino acid position is conserved. In addition, this alteration is predicted to be tolerated by in silico analysis. Based on the available evidence, the clinical significance of this variant remains unclear.

Labcorp Genetics (formerly Invitae), Labcorp
Classification: Uncertain significance for Neutropenia, severe congenital, 2, autosomal dominant. Last evaluated: 2024-04-18. Review status: criteria provided, single submitter. Criteria: Invitae Variant Classification Sherloc (09022015). Collection method: clinical testing. Allele origin: germline.
Comment: This sequence change replaces serine, which is neutral and polar, with threonine, which is neutral and polar, at codon 125 of the GFI1 protein (p.Ser125Thr). This variant is not present in population databases (gnomAD no frequency). This variant has not been reported in the literature in individuals affected with GFI1-related conditions. Advanced modeling of protein sequence and biophysical properties (such as structural, functional, and spatial information, amino acid conservation, physicochemical variation, residue mobility, and thermodynamic stability) performed at Invitae indicates that this missense variant is not expected to disrupt GFI1 protein function with a negative predictive value of 80%. In summary, the available evidence is currently insufficient to determine the role of this variant in disease. Therefore, it has been classified as a Variant of Uncertain Significance.